The following is an entry in ClinVar:

ClinVar aggregate classification (germline): Uncertain significance (1 of 4 stars; one submission).

Conditions:
Cardiomyopathy, familial restrictive, 3. Identifiers: Orphanet 75249, MedGen C2676271, MONDO:0012900, OMIM 612422.
Dilated cardiomyopathy 1D. Identifiers: Orphanet 154, Orphanet 54260, MedGen C1832243, MONDO:0011095, OMIM 601494.
Hypertrophic cardiomyopathy 2. Also called: TNNT2-Related Familial Hypertrophic Cardiomyopathy. Identifiers: MedGen C1861864, MONDO:0007266, OMIM 115195.

gnomAD v4.1: 5 of 1,614,138 alleles (0.00031%); highest among the groups gnomAD compares: South Asian, 0.0055%; no homozygotes.

Submission:

Labcorp Genetics (formerly Invitae), Labcorp
Classification: Uncertain significance for Cardiomyopathy, familial restrictive, 3; Hypertrophic cardiomyopathy 2; Dilated cardiomyopathy 1D. Last evaluated: 2024-08-28. Review status: criteria provided, single submitter. Criteria: Invitae Variant Classification Sherloc (09022015). Collection method: clinical testing. Allele origin: germline.
Comment: This sequence change replaces leucine, which is neutral and non-polar, with glutamine, which is neutral and polar, at codon 250 of the TNNT2 protein (p.Leu250Gln). This variant is present in population databases (rs376037051, gnomAD 0.01%). This variant has not been reported in the literature in individuals affected with TNNT2-related conditions. ClinVar contains an entry for this variant (Variation ID: 1524693). Invitae Evidence Modeling of protein sequence and biophysical properties (such as structural, functional, and spatial information, amino acid conservation, physicochemical variation, residue mobility, and thermodynamic stability) indicates that this missense variant is expected to disrupt TNNT2 protein function with a positive predictive value of 95%. In summary, the available evidence is currently insufficient to determine the role of this variant in disease. Therefore, it has been classified as a Variant of Uncertain Significance.

NM_001276345.2(TNNT2):c.779T>A (p.Leu260Gln)

Gene: TNNT2 (troponin T2, cardiac type; minus strand). Cytogenetic location: 1q32.1.
Variant type: single nucleotide variant.
Coding change: c.779T>A on transcript NM_001276345.2 (MANE Select); coding-DNA position 779, T replaced by A.
Protein change: p.Leu260Gln; replaces leucine 260 with glutamine.
Molecular consequence: missense variant.
Genome position (GRCh38, 1-based): chr1:201,361,310, A>T on the plus strand (T>A on the coding strand, the complement: TNNT2 is on the minus strand). VCF-style: chr1-201361310-A-T. GRCh37 (hg19) VCF-style: chr1-201330438-A-T.
Other names: c.770T>A, p.Leu257Gln (NM_000364.4); c.749T>A, p.Leu250Gln (NM_001001430.3, NM_001276347.2); c.740T>A, p.Leu247Gln (NM_001001431.3); c.731T>A, p.Leu244Gln (NM_001001432.3); c.650T>A, p.Leu217Gln (NM_001276346.2); short protein forms L244Q, L257Q, L247Q, L260Q, L217Q, L250Q.
Identifiers: ClinVar variation 1524693 (VCV001524693.7), dbSNP rs376037051, ClinGen allele CA089177.